The following is an entry in ClinVar:

ClinVar aggregate classification (germline): Benign/Likely benign. Review status: criteria provided, multiple submitters, no conflicts (2 of 4 stars). 8 submissions from 8 submitters: Benign (6); Likely benign (1). 1 of the submissions does not count toward it. Last evaluated 2026-08-01.

Conditions:
Systemic lupus erythematosus, susceptibility to, 9. Also called: Systemic lupus erythematosus 9. Identifiers: MedGen C1970455, MONDO:0012584, OMIM 610927.
Immunodeficiency, common variable, 7. Identifiers: Orphanet 1572, Orphanet 696894, MedGen C3542922, MONDO:0013862, OMIM 614699.
Immunodeficiency, common variable, 2 (CVID2). Also called: ANTIBODY DEFICIENCY DUE TO TACI DEFECT; HYPOGAMMAGLOBULINEMIA DUE TO TACI DEFICIENCY. Identifiers: Orphanet 1572, MedGen C3150354, MONDO:0009413, OMIM 240500.
CR2-related disorder. Also called: CR2-related disorders; CR2-related condition.

Allele frequency attached by ClinVar (database versions not stated): ESP Exome Variant Server 0.00830; 1000 Genomes Project 30x 0.00312; 1000 Genomes Project 0.00359; TOPMed 0.00775.
gnomAD v4.1: 17,990 of 1,613,976 alleles (1.1%); highest among the groups gnomAD compares: Non-Finnish European, 1.2%; 140 homozygotes.

Submissions (8):

CeGaT Center for Human Genetics Tuebingen
Classification: Benign. Last evaluated: 2026-08-01. Review status: criteria provided, single submitter. Criteria: CeGaT Center For Human Genetics Tuebingen Variant Classification Criteria Version 2. Collection method: clinical testing. Allele origin: germline. Affected: yes. Observed: 20 variant alleles.
Comment: CR2: BP4, BP7, BS1, BS2

Women's Health and Genetics/Laboratory Corporation of America, LabCorp
Classification: Benign. Last evaluated: 2026-03-30. Review status: criteria provided, single submitter. Criteria: LabCorp Variant Classification Summary - May 2015. Collection method: clinical testing. Allele origin: germline.

Labcorp Genetics (formerly Invitae), Labcorp
Classification: Benign for Immunodeficiency, common variable, 7. Last evaluated: 2026-02-01. Review status: criteria provided, single submitter. Criteria: Invitae Variant Classification Sherloc (09022015). Collection method: clinical testing. Allele origin: germline.

ARUP Laboratories, Molecular Genetics and Genomics, ARUP Laboratories
Classification: Benign. Last evaluated: 2024-11-25. Review status: criteria provided, single submitter. Criteria: ARUP Molecular Germline Variant Investigation Process 2024. Collection method: clinical testing. Allele origin: germline.

Genome-Nilou Lab
Classification: Benign for Immunodeficiency, common variable, 7. Last evaluated: 2023-04-11. Review status: criteria provided, single submitter. Criteria: ACMG Guidelines, 2015. Collection method: clinical testing. Allele origin: germline. Affected: no.

Fulgent Genetics
Classification: Likely benign for Immunodeficiency, common variable, 2; Systemic lupus erythematosus, susceptibility to, 9; Immunodeficiency, common variable, 7. Last evaluated: 2022-04-04. Review status: criteria provided, single submitter. Criteria: ACMG Guidelines, 2015. Collection method: clinical testing. Allele origin: unknown.

Breakthrough Genomics
Classification: Benign. Review status: criteria provided, single submitter. Criteria: ACMG Guidelines, 2015. Collection method: not provided. Allele origin: germline. Inheritance: Autosomal recessive inheritance. Affected: yes.

PreventionGenetics, part of Exact Sciences
Classification: Benign for CR2-related condition. Last evaluated: 2019-03-04. Review status: no assertion criteria provided. Collection method: clinical testing. Allele origin: germline. Not counted in ClinVar's aggregate classification.
Comment: This variant is classified as benign based on ACMG/AMP sequence variant interpretation guidelines (Richards et al. 2015 PMID: 25741868, with internal and published modifications).

NM_001006658.3(CR2):c.624C>G (p.Pro208=)

Gene: CR2 (complement C3d receptor 2; plus strand). Cytogenetic location: 1q32.2.
Variant type: single nucleotide variant.
Coding change: c.624C>G on transcript NM_001006658.3 (MANE Select); coding-DNA position 624, C replaced by G.
Protein change: p.Pro208=; no amino-acid change (proline 208 retained).
Molecular consequence: synonymous variant.
Genome position (GRCh38, 1-based): chr1:207,468,705, C>G. VCF-style: chr1-207468705-C-G. GRCh37 (hg19) VCF-style: chr1-207642050-C-G.
Other names: c.624C>G, p.Pro208= (NM_001877.5).
Identifiers: ClinVar variation 439556 (VCV000439556.54), dbSNP rs61759494, ClinGen allele CA1368478.